The following is an entry in ClinVar:

NM_032578.4(MYPN):c.3279C>T (p.Asp1093=)

Gene: MYPN (myopalladin; plus strand). Cytogenetic location: 10q21.3.
Variant type: single nucleotide variant.
Coding change: c.3279C>T on transcript NM_032578.4 (MANE Select); coding-DNA position 3279, C replaced by T.
Protein change: p.Asp1093=; no amino-acid change (aspartic acid 1093 retained).
Molecular consequence: synonymous variant. On other transcripts: non-coding transcript variant (2).
Genome position (GRCh38, 1-based): chr10:68,197,472, C>T. VCF-style: chr10-68197472-C-T. GRCh37 (hg19) VCF-style: chr10-69957229-C-T.
Other names: p.D1093D:GAC>GAT; p.Asp1093=; c.3279C>T, p.Asp1093= (NM_001256267.2); c.2397C>T, p.Asp799= (NM_001256268.2).
Identifiers: ClinVar variation 138424 (VCV000138424.36), dbSNP rs115033934, ClinGen allele CA333127.
Genomic context (GRCh38, chr10:68,197,472, plus strand): 5'-ACATTTCCTGCAGGCTCCTGGGGATATGGTAGCTCATGAGGGGCGCCTCTGTCGGCTGGA[C>T]TGTAAGGTAGACTCCAGCACCCATGCTTAGTTCCAGATCTGTTCATATTTTGTATTTGTT-3'
Protein context (NP_115967.2, residues 1083-1103): VAHEGRLCRL[Asp1093=]CKVSGLPPPE

ClinVar aggregate classification (germline): Benign. Review status: criteria provided, multiple submitters, no conflicts (2 of 4 stars). 11 submissions from 11 submitters: Benign (9). 2 of the submissions do not count toward it. Last evaluated 2026-02-01.

Conditions:
Cardiovascular phenotype. Identifiers: MedGen CN230736.
Dilated cardiomyopathy 1KK (CMD1KK). Identifiers: Orphanet 154, Orphanet 75249, MedGen C3714995, MONDO:0014100, OMIM 615248.

Allele frequency attached by ClinVar (database versions not stated): gnomAD exomes 0.00291; ExAC 0.00366; gnomAD 0.01085 and 0.01152; TOPMed 0.01185; ESP Exome Variant Server 0.01330; 1000 Genomes Project 0.01358; 1000 Genomes Project 30x 0.01452.
gnomAD v4.1: 3,373 of 1,613,592 alleles (0.21%); highest among the groups gnomAD compares: African/African-American, 3.8%; 69 homozygotes.

Submissions (11):

Labcorp Genetics (formerly Invitae), Labcorp
Classification: Benign for Dilated cardiomyopathy 1KK. Last evaluated: 2026-02-01. Review status: criteria provided, single submitter. Criteria: Invitae Variant Classification Sherloc (09022015). Collection method: clinical testing. Allele origin: germline.

Mayo Clinic Laboratories, Mayo Clinic
Classification: Benign. Last evaluated: 2024-03-21. Review status: criteria provided, single submitter. Criteria: ACMG Guidelines, 2015. Collection method: clinical testing. Allele origin: germline. Observed: 26 variant alleles.
Comment: BS1, BS2, BP4, BP7

ARUP Laboratories, Molecular Genetics and Genomics, ARUP Laboratories
Classification: Benign. Last evaluated: 2023-11-29. Review status: criteria provided, single submitter. Criteria: ARUP Molecular Germline Variant Investigation Process 2024. Collection method: clinical testing. Allele origin: germline.

Women's Health and Genetics/Laboratory Corporation of America, LabCorp
Classification: Benign. Last evaluated: 2023-08-19. Review status: criteria provided, single submitter. Criteria: LabCorp Variant Classification Summary - May 2015. Collection method: clinical testing. Allele origin: germline.

Clinical Genetics DNA and cytogenetics Diagnostics Lab, Erasmus MC, Erasmus Medical Center
Classification: Benign for Dilated cardiomyopathy 1KK. Last evaluated: 2017-06-28. Review status: criteria provided, single submitter. Criteria: ACGS Guidelines, 2013. Collection method: clinical testing. Allele origin: germline. Affected: yes. Study: VKGL Data-share Consensus.

Ambry Genetics
Classification: Benign for Cardiovascular phenotype. Last evaluated: 2015-09-29. Review status: criteria provided, single submitter. Criteria: Ambry Variant Classification Scheme 2023. Collection method: clinical testing. Allele origin: germline.

Laboratory for Molecular Medicine, Mass General Brigham Personalized Medicine
Classification: Benign. Last evaluated: 2014-11-24. Review status: criteria provided, single submitter. Criteria: LMM Criteria. Collection method: clinical testing. Allele origin: germline. Observed: 8 variant alleles.
Comment: Asp1093Asp in exon 17 of MYPN: This variant is not expected to have clinical sig nificance because it does not alter an amino acid residue and is not located wit hin the splice consensus sequence. It has been identified in 3.9% (173/4406) of African American chromosomes from a broad population by the NHLBI Exome Sequenci ng Project (dbSNP rs115033934).

GeneDx
Classification: Benign. Last evaluated: 2014-03-18. Review status: criteria provided, single submitter. Criteria: GeneDx Variant Classification (06012015). Collection method: clinical testing. Allele origin: germline. Affected: yes.
Comment: This variant is considered likely benign or benign based on one or more of the following criteria: it is a conservative change, it occurs at a poorly conserved position in the protein, it is predicted to be benign by multiple in silico algorithms, and/or has population frequency not consistent with disease.

Breakthrough Genomics
Classification: Benign. Review status: criteria provided, single submitter. Criteria: ACMG Guidelines, 2015. Collection method: not provided. Allele origin: germline. Inheritance: Autosomal recessive inheritance. Affected: yes.

Clinical Genetics, Academic Medical Center
Classification: Benign. Review status: no assertion criteria provided. Collection method: clinical testing. Allele origin: germline. Affected: yes. Study: VKGL Data-share Consensus. Not counted in ClinVar's aggregate classification.

Joint Genome Diagnostic Labs from Nijmegen and Maastricht, Radboudumc and MUMC+
Classification: Benign. Review status: no assertion criteria provided. Collection method: clinical testing. Allele origin: germline. Affected: yes. Study: VKGL Data-share Consensus. Not counted in ClinVar's aggregate classification.